The following is an entry in ClinVar:

ClinVar aggregate classification (germline): Pathogenic (1 of 4 stars; one submission).

Conditions:
Hereditary cancer-predisposing syndrome. Also called: Neoplastic Syndromes, Hereditary; Tumor predisposition; Hereditary neoplastic syndrome; Hereditary Cancer Syndrome. Identifiers: Orphanet 140162, MedGen C0027672, MeSH D009386, MONDO:0015356.

Submission:

Color Diagnostics, LLC DBA Color Health
Classification: Pathogenic for Hereditary cancer-predisposing syndrome. Last evaluated: 2020-01-15. Review status: criteria provided, single submitter. Criteria: ACMG Guidelines, 2015. Collection method: clinical testing. Allele origin: germline.
Comment: This variant deletes 10 nucleotides in exon 10 of the BRCA1 gene, creating a frameshift and premature translation stop signal. This variant is expected to result in an absent or non-functional protein product. This variant has not been identified in the general population by the Genome Aggregation Database (gnomAD). Loss of BRCA1 function is a known mechanism of disease. Based on the available evidence, this variant is classified as Pathogenic.

NM_007294.4(BRCA1):c.1901_1910del (p.Pro634fs)

Gene: BRCA1 (BRCA1 DNA repair associated; minus strand). Cytogenetic location: 17q21.31.
Variant type: Deletion.
Coding change: c.1901_1910del on transcript NM_007294.4 (MANE Select); coding-DNA positions 1901 to 1910, 10 bases deleted (CTAATTGTAC; older notation c.1901_1910delCTAATTGTAC).
Protein change: p.Pro634fs; shifts the reading frame from proline 634.
Molecular consequence: frameshift variant. On other transcripts: intron variant (137).
Genome position (GRCh38, 1-based): chr17:43,093,621-43,093,630, GTACAATTAG deleted on the plus strand (CTAATTGTAC on the coding strand, the reverse complement: BRCA1 is on the minus strand); deleting any 10 consecutive bases within chr17:43,093,621-43,093,632 gives the same sequence; the c. name uses the placement nearest the transcript's 3' end. VCF-style (leftmost placement, unchanged base first): chr17-43093620-AGTACAATTAG-A. GRCh37 (hg19) VCF-style: chr17-41245637-AGTACAATTAG-A.
Other names: c.661+1114_661+1123del (NM_001408447.1, NM_001408433.1, NM_001408446.1 and 6 more transcripts); c.784+1114_784+1123del (NM_001408400.1, NM_001408392.1, NM_001407986.1 and 13 more transcripts); c.664+1114_664+1123del (NM_001408441.1, NM_001408437.1, NM_001408429.1 and 12 more transcripts); c.787+1114_787+1123del (NM_001407979.1, NM_001407977.1, NM_001407982.1 and 19 more transcripts); c.646+1114_646+1123del (NM_001408410.1, NM_001408458.1, NM_001408469.1 and 11 more transcripts); c.709+1114_709+1123del (NM_001408415.1, NM_001408412.1, NM_001408409.1 and 2 more transcripts); c.577+1114_577+1123del (NM_001408483.1, NM_001408481.1, NM_001408480.1 and 9 more transcripts); c.1688_1697del, p.Pro563fs (NM_001407571.1, NM_001407853.1, NM_001407894.1 and 9 more transcripts); and 41 more; short protein forms P587fs, P634fs, P506fs, P507fs, P631fs, P523fs, P592fs, P607fs.
Identifiers: ClinVar variation 628941 (VCV000628941.5), dbSNP rs1567797748, ClinGen allele CA913188847.